The following is an entry in ClinVar:

NM_006488.3(KHK):c.*27A>G

Genes: KHK (ketohexokinase; plus strand), CGREF1 (cell growth regulator with EF-hand domain 1; minus strand). Cytogenetic location: 2p23.3.
Variant type: single nucleotide variant.
Coding change: c.*27A>G on transcript NM_006488.3 (MANE Select); 27 bases downstream of the stop codon, A replaced by G.
Molecular consequence: 3 prime UTR variant.
Genome position (GRCh38, 1-based): chr2:27,099,777, A>G. VCF-style: chr2-27099777-A-G. GRCh37 (hg19) VCF-style: chr2-27322645-A-G.
Other names: c.*7T>C (NM_001166240.2); c.*84T>C (NM_001301324.2); c.*27A>G (NM_000221.3).
Identifiers: ClinVar variation 335501 (VCV000335501.7), dbSNP rs189674797, ClinGen allele CA1569502.

ClinVar aggregate classification (germline): Likely benign (1 of 4 stars; one submission).

Conditions:
Essential fructosuria. Also called: KETOHEXOKINASE DEFICIENCY; HEPATIC FRUCTOKINASE DEFICIENCY. Identifiers: Orphanet 2056, MedGen C0268160, MONDO:0009252, OMIM 229800.

Allele frequency attached by ClinVar (database versions not stated): 1000 Genomes Project 0.00200; gnomAD 0.00255 and 0.00278; ESP Exome Variant Server 0.00338; gnomAD exomes 0.00062 and 0.00023; ExAC 0.00103; 1000 Genomes Project 30x 0.00172; TOPMed 0.00282.
gnomAD v4.1: 744 of 1,610,834 alleles (0.046%); highest among the groups gnomAD compares: African/African-American, 0.87%; no homozygotes.

Submission:

Illumina Laboratory Services, Illumina
Classification: Likely benign for Essential fructosuria. Last evaluated: 2018-01-13. Review status: criteria provided, single submitter. Criteria: ICSL Variant Classification Criteria 13 December 2019. Collection method: clinical testing. Allele origin: germline.
Comment: This variant was observed in the ICSL laboratory as part of a predisposition screen in an ostensibly healthy population. It had not been previously curated by ICSL or reported in the Human Gene Mutation Database (HGMD: prior to June 1st, 2018), and was therefore a candidate for classification through an automated scoring system. Utilizing variant allele frequency, disease prevalence and penetrance estimates, and inheritance mode, an automated score was calculated to assess if this variant is too frequent to cause the disease. Based on the score and internal cut-off values, a variant classified as likely benign is not then subjected to further curation. The score for this variant resulted in a classification of likely benign for this disease.